The following is an entry in ClinVar:

ClinVar aggregate classification (germline): Uncertain significance (1 of 4 stars; one submission).

Conditions:
Hereditary cancer-predisposing syndrome. Also called: Neoplastic Syndromes, Hereditary; Hereditary Cancer Syndrome; Tumor predisposition; Hereditary neoplastic syndrome. Identifiers: Orphanet 140162, MedGen C0027672, MeSH D009386, MONDO:0015356.

Submission:

Ambry Genetics
Classification: Uncertain significance for Hereditary cancer-predisposing syndrome. Last evaluated: 2024-12-11. Review status: criteria provided, single submitter. Criteria: Ambry Variant Classification Scheme 2023. Collection method: clinical testing. Allele origin: germline.
Comment: The p.T1076N variant (also known as c.3227C>A), located in coding exon 21 of the TSC1 gene, results from a C to A substitution at nucleotide position 3227. The threonine at codon 1076 is replaced by asparagine, an amino acid with similar properties. This amino acid position is conserved. In addition, this alteration is predicted to be tolerated by in silico analysis. Based on the available evidence, the clinical significance of this variant remains unclear.

NM_000368.5(TSC1):c.3227C>A (p.Thr1076Asn)

Gene: TSC1 (TSC complex subunit 1; minus strand). Cytogenetic location: 9q34.13.
Variant type: single nucleotide variant.
Coding change: c.3227C>A on transcript NM_000368.5 (MANE Select); coding-DNA position 3227, C replaced by A.
Protein change: p.Thr1076Asn; replaces threonine 1076 with asparagine.
Molecular consequence: missense variant. On other transcripts: non-coding transcript variant (5).
Genome position (GRCh38, 1-based): chr9:132,896,503, G>T on the plus strand (C>A on the coding strand, the complement: TSC1 is on the minus strand). VCF-style: chr9-132896503-G-T. GRCh37 (hg19) VCF-style: chr9-135771890-G-T.
Other names: c.3224C>A, p.Thr1075Asn (NM_001162426.2, NM_001406597.1, NM_001406598.1 and 2 more transcripts); c.3074C>A, p.Thr1025Asn (NM_001162427.2, NM_001406610.1); c.2864C>A, p.Thr955Asn (NM_001362177.2, NM_001406614.1, NM_001406615.1 and 4 more transcripts); c.3227C>A, p.Thr1076Asn (NM_001406592.1, NM_001406593.1, NM_001406594.1 and 2 more transcripts); c.3212C>A, p.Thr1071Asn (NM_001406601.1, NM_001406602.1); c.3209C>A, p.Thr1070Asn (NM_001406603.1, NM_001406604.1); c.3185C>A, p.Thr1062Asn (NM_001406605.1, NM_001406606.1, NM_001406607.1); c.3182C>A, p.Thr1061Asn (NM_001406608.1, NM_001406609.1); and 8 more; short protein forms T1070N, T1071N, T758N, T940N, T954N, T941N, T1024N, T759N.
Identifiers: ClinVar variation 3811226 (VCV003811226.1).